The following is an entry in ClinVar:

NM_001374385.1(ATP8B1):c.303_308del (p.Lys101_Tyr102del)

Gene: ATP8B1 (ATPase phospholipid transporting 8B1; minus strand). Cytogenetic location: 18q21.31.
Variant type: Deletion.
Coding change: c.303_308del on transcript NM_001374385.1 (MANE Select); coding-DNA positions 303 to 308, 6 bases deleted (GTACAA; older notation c.303_308delGTACAA).
Protein change: p.Lys101_Tyr102del.
Molecular consequence: inframe deletion.
Genome position (GRCh38, 1-based): chr18:57,704,640-57,704,645, TTGTAC deleted on the plus strand (GTACAA on the coding strand, the reverse complement: ATP8B1 is on the minus strand); deleting any 6 consecutive bases within chr18:57,704,640-57,704,650 gives the same sequence; the c. name uses the placement nearest the transcript's 3' end. VCF-style (leftmost placement, unchanged base first): chr18-57704639-GTTGTAC-G. GRCh37 (hg19) VCF-style: chr18-55371871-GTTGTAC-G.
Other names: c.153_158del, p.Lys51_Tyr52del (NM_001374386.1); c.303_308del, p.Lys101_Tyr102del (NM_005603.6); c.303_308del (NM_005603.4).
Identifiers: ClinVar variation 501539 (VCV000501539.6), dbSNP rs1555693514, ClinGen allele CA658799079.

ClinVar aggregate classification (germline): Uncertain significance. Review status: criteria provided, multiple submitters, no conflicts (2 of 4 stars). 2 submissions from 2 submitters: Uncertain significance (2). Last evaluated 2025-02-01.

Submissions (2):

GeneDx
Classification: Uncertain significance. Last evaluated: 2025-02-01. Review status: criteria provided, single submitter. Criteria: GeneDx Variant Classification Process June 2021. Collection method: clinical testing. Allele origin: germline. Affected: yes.
Comment: Not observed at significant frequency in large population cohorts (gnomAD); In silico analysis supports a deleterious effect on protein structure/function; Has not been previously published as pathogenic or benign to our knowledge

Eurofins Ntd Llc (ga)
Classification: Uncertain significance. Last evaluated: 2017-04-18. Review status: criteria provided, single submitter. Criteria: EGL Classification Definitions 2015. Collection method: clinical testing. Allele origin: germline. Observed: 1 variant allele, 1 heterozygote.